The following is an entry in ClinVar:

NM_015450.3(POT1):c.1673A>G (p.Tyr558Cys)

Gene: POT1 (protection of telomeres 1; minus strand). Cytogenetic location: 7q31.33.
Variant type: single nucleotide variant.
Coding change: c.1673A>G on transcript NM_015450.3 (MANE Select); coding-DNA position 1673, A replaced by G.
Protein change: p.Tyr558Cys; replaces tyrosine 558 with cysteine.
Molecular consequence: missense variant. On other transcripts: non-coding transcript variant (3).
Genome position (GRCh38, 1-based): chr7:124,827,227, T>C on the plus strand (A>G on the coding strand, the complement: POT1 is on the minus strand). VCF-style: chr7-124827227-T-C. GRCh37 (hg19) VCF-style: chr7-124467281-T-C.
Other names: c.1280A>G, p.Tyr427Cys (NM_001042594.2); short protein forms Y427C, Y558C.
Identifiers: ClinVar variation 1447029 (VCV001447029.11), dbSNP rs2116414736, ClinGen allele CA369062888.

ClinVar aggregate classification (germline): Uncertain significance. Review status: criteria provided, multiple submitters, no conflicts (2 of 4 stars). 2 submissions from 2 submitters: Uncertain significance (2). Last evaluated 2025-03-19.

Conditions:
Tumor predisposition syndrome 3 (TPDS3). Also called: LONG TELOMERE SYNDROME, POT1-RELATED; POT1 Tumor Predisposition; Glioma susceptibility 9; Melanoma, cutaneous malignant, susceptibility to, 10. Identifiers: Orphanet 618, MedGen C4014476, MONDO:0014368, OMIM 615848.
Hereditary cancer-predisposing syndrome. Also called: Hereditary Cancer Syndrome; Neoplastic Syndromes, Hereditary; Hereditary neoplastic syndrome; Tumor predisposition. Identifiers: Orphanet 140162, MedGen C0027672, MeSH D009386, MONDO:0015356.

Allele frequency attached by ClinVar (database versions not stated): gnomAD exomes below 0.00001.
gnomAD v4.1: 3 of 1,540,784 alleles (0.00019%); highest among the groups gnomAD compares: South Asian, 0.0012%; no homozygotes.

Submissions (2):

Ambry Genetics
Classification: Uncertain significance for Hereditary cancer-predisposing syndrome. Last evaluated: 2025-03-19. Review status: criteria provided, single submitter. Criteria: Ambry Variant Classification Scheme 2023. Collection method: clinical testing. Allele origin: germline.
Comment: The p.Y558C variant (also known as c.1673A>G), located in coding exon 13 of the POT1 gene, results from an A to G substitution at nucleotide position 1673. The tyrosine at codon 558 is replaced by cysteine, an amino acid with highly dissimilar properties. This amino acid position is well conserved in available vertebrate species. In addition, this alteration is predicted to be tolerated by in silico analysis. Based on the available evidence, the clinical significance of this variant remains unclear.

Labcorp Genetics (formerly Invitae), Labcorp
Classification: Uncertain significance for Tumor predisposition syndrome 3. Last evaluated: 2025-03-07. Review status: criteria provided, single submitter. Criteria: Invitae Variant Classification Sherloc (09022015). Collection method: clinical testing. Allele origin: germline.
Comment: This sequence change replaces tyrosine, which is neutral and polar, with cysteine, which is neutral and slightly polar, at codon 558 of the POT1 protein (p.Tyr558Cys). This variant is not present in population databases (gnomAD no frequency). This variant has not been reported in the literature in individuals affected with POT1-related conditions. ClinVar contains an entry for this variant (Variation ID: 1447029). Invitae Evidence Modeling of protein sequence and biophysical properties (such as structural, functional, and spatial information, amino acid conservation, physicochemical variation, residue mobility, and thermodynamic stability) indicates that this missense variant is not expected to disrupt POT1 protein function with a negative predictive value of 80%. In summary, the available evidence is currently insufficient to determine the role of this variant in disease. Therefore, it has been classified as a Variant of Uncertain Significance.